The following is an entry in ClinVar:

ClinVar aggregate classification (germline): Pathogenic/Likely pathogenic. Review status: criteria provided, multiple submitters, no conflicts (2 of 4 stars). 2 submissions from 2 submitters: Pathogenic (1); Likely pathogenic (1). Last evaluated 2023-12-22.

Conditions:
Phenylketonuria (PKU). Also called: OLIGOPHRENIA PHENYLPYRUVICA; Phenylketonurias; Phenylketonuria (PKU); FOLLING DISEASE. Identifiers: Orphanet 716, MedGen C0031485, MONDO:0009861, OMIM 261600. Disease mechanism: loss of function.

Allele frequency attached by ClinVar (database versions not stated): gnomAD 0.00003.
gnomAD v4.1: 12 of 1,613,570 alleles (0.00074%); highest among the groups gnomAD compares: Non-Finnish European, 0.001%; no homozygotes.

Submissions (2):

Baylor Genetics
Classification: Likely pathogenic for Phenylketonuria. Last evaluated: 2023-12-22. Review status: criteria provided, single submitter. Criteria: ACMG Guidelines, 2015. Collection method: clinical testing. Allele origin: unknown.

Labcorp Genetics (formerly Invitae), Labcorp
Classification: Pathogenic for Phenylketonuria. Last evaluated: 2023-11-02. Review status: criteria provided, single submitter. Criteria: Invitae Variant Classification Sherloc (09022015). Collection method: clinical testing. Allele origin: germline.
Comment: This sequence change replaces aspartic acid, which is acidic and polar, with valine, which is neutral and non-polar, at codon 143 of the PAH protein (p.Asp143Val). This variant is present in population databases (no rsID available, gnomAD 0.03%). This missense change has been observed in individuals with clinical features of phenylketonuria and/or hyperphenylalaninemia (PMID: 27469133, 31332730, 32668217). ClinVar contains an entry for this variant (Variation ID: 1510805). Advanced modeling of protein sequence and biophysical properties (such as structural, functional, and spatial information, amino acid conservation, physicochemical variation, residue mobility, and thermodynamic stability) performed at Invitae indicates that this missense variant is expected to disrupt PAH protein function with a positive predictive value of 80%. This variant disrupts the p.Asp143 amino acid residue in PAH. Other variant(s) that disrupt this residue have been determined to be pathogenic (PMID: 8889583, 18937047, 21147011, 21953985). This suggests that this residue is clinically significant, and that variants that disrupt this residue are likely to be disease-causing. For these reasons, this variant has been classified as Pathogenic.

Literature cited by the submitters: PubMed 27469133 (cited by Labcorp Genetics (formerly Invitae), Labcorp); PubMed 31332730 (cited by Labcorp Genetics (formerly Invitae), Labcorp); PubMed 32668217 (cited by Labcorp Genetics (formerly Invitae), Labcorp); PubMed 8889583 (cited by Labcorp Genetics (formerly Invitae), Labcorp); PubMed 18937047 (cited by Labcorp Genetics (formerly Invitae), Labcorp); PubMed 21147011 (cited by Labcorp Genetics (formerly Invitae), Labcorp); PubMed 21953985 (cited by Labcorp Genetics (formerly Invitae), Labcorp).

NM_000277.3(PAH):c.428A>T (p.Asp143Val)

Gene: PAH (phenylalanine hydroxylase; minus strand). Cytogenetic location: 12q23.2.
Variant type: single nucleotide variant.
Coding change: c.428A>T on transcript NM_000277.3 (MANE Select); coding-DNA position 428, A replaced by T.
Protein change: p.Asp143Val; replaces aspartic acid 143 with valine.
Molecular consequence: missense variant.
Genome position (GRCh38, 1-based): chr12:102,877,475, T>A on the plus strand (A>T on the coding strand, the complement: PAH is on the minus strand). VCF-style: chr12-102877475-T-A. GRCh37 (hg19) VCF-style: chr12-103271253-T-A.
Other names: c.428A>T, p.Asp143Val (NM_001354304.2); short protein forms D143V.
Identifiers: ClinVar variation 1510805 (VCV001510805.8), dbSNP rs199475572, ClinGen allele CA386302085.